The following is an entry in ClinVar:

NM_001004051.4(GPRASP2):c.802T>C (p.Ser268Pro)

Genes: GPRASP2 (G protein-coupled receptor associated sorting protein 2; plus strand), ARMCX5-GPRASP2 (ARMCX5-GPRASP2 readthrough; plus strand). Cytogenetic location: Xq22.1.
Variant type: single nucleotide variant.
Coding change: c.802T>C on transcript NM_001004051.4 (MANE Select); coding-DNA position 802, T replaced by C.
Protein change: p.Ser268Pro; replaces serine 268 with proline.
Molecular consequence: missense variant. On other transcripts: intron variant (3).
Genome position (GRCh38, 1-based): chrX:102,715,671, T>C. VCF-style: chrX-102715671-T-C. GRCh37 (hg19) VCF-style: chrX-101970599-T-C.
Other names: c.802T>C, p.Ser268Pro (NM_001199818.1, NM_001184874.3, NM_001184875.3 and 2 more transcripts); c.-820+1405T>C (NM_001350268.2); c.-752+1405T>C (NM_001350269.2); c.-721+1405T>C (NM_001350270.1); c.802T>C (NM_138437.5); short protein forms S268P.
Identifiers: ClinVar variation 3282478 (VCV003282478.2).

ClinVar aggregate classification (germline): Conflicting classifications of pathogenicity. Review status: criteria provided, conflicting classifications (1 of 4 stars). 2 submissions from 2 submitters: Uncertain significance (1); Likely benign (1). Last evaluated 2026-08-14.

Conditions:
GPRASP2-related disorder. Also called: GPRASP2-related condition.

Submissions (2):

PreventionGenetics, part of Exact Sciences
Classification: Likely benign for GPRASP2-related condition. Last evaluated: 2026-08-14. Review status: criteria provided, single submitter. Criteria: ACMG Guidelines, 2015. Collection method: clinical testing. Allele origin: germline.
Comment: This variant is classified as likely benign based on ACMG/AMP sequence variant interpretation guidelines (Richards et al. 2015 PMID: 25741868, with internal and published modifications).

Ambry Genetics
Classification: Uncertain significance. Last evaluated: 2024-05-13. Review status: criteria provided, single submitter. Criteria: Ambry Variant Classification Scheme 2023. Collection method: clinical testing. Allele origin: germline.